The following is an entry in ClinVar:

NM_013339.4(ALG6):c.378del (p.Ala127fs)

Gene: ALG6 (ALG6 alpha-1,3-glucosyltransferase; plus strand). Cytogenetic location: 1p31.3.
Variant type: Deletion.
Coding change: c.378del on transcript NM_013339.4 (MANE Select); coding-DNA position 378, one base deleted (T; older notation c.378delT).
Protein change: p.Ala127fs; shifts the reading frame from alanine 127.
Molecular consequence: frameshift variant.
Genome position (GRCh38, 1-based): chr1:63,406,348, T deleted. VCF-style (leftmost placement, unchanged base first): chr1-63406347-CT-C. GRCh37 (hg19) VCF-style: chr1-63872018-CT-C.
Other names: short protein forms A127fs.
Identifiers: ClinVar variation 5014988 (VCV005014988.1).

ClinVar aggregate classification (germline): Pathogenic (1 of 4 stars; one submission).

Conditions:
ALG6-congenital disorder of glycosylation 1C (CDG1C). Also called: CDG Ic; CARBOHYDRATE-DEFICIENT GLYCOPROTEIN SYNDROME, TYPE I, WITH DEFICIENT GLYCOSYLATION OF DOLICHOL-LINKED OLIGOSACCHARIDE; CARBOHYDRATE-DEFICIENT GLYCOPROTEIN SYNDROME, TYPE V; Congenital disorder of glycosylation type 1C; Congenital disorder of glycosylation, type Ic. Identifiers: Orphanet 79320, MedGen C2930997, MONDO:0011291, OMIM 603147.

Submission:

Myriad Genetics, Inc.
Classification: Pathogenic for ALG6-congenital disorder of glycosylation 1C. Last evaluated: 2025-09-17. Review status: criteria provided, single submitter. Criteria: Myriad Autosomal Dominant, Autosomal Recessive and X-Linked Classification Criteria (2023). Collection method: clinical testing. Allele origin: unknown.
Comment: NM_013339.3(ALG6):c.378delT(A127Qfs*9) is expected to be pathogenic in the context of congenital disorder of glycosylation, ALG6-related. This variant is predicted to lead to an abnormal or absent protein product due to the creation of a premature termination codon in ALG6, a gene where loss-of-function variants are known to be pathogenic. Please note: this variant was assessed in the context of healthy population screening.